The following is an entry in ClinVar:

NM_133433.4(NIPBL):c.1150A>G (p.Asn384Asp)

Gene: NIPBL (NIPBL cohesin loading factor; plus strand). Cytogenetic location: 5p13.2.
Variant type: single nucleotide variant.
Coding change: c.1150A>G on transcript NM_133433.4 (MANE Select); coding-DNA position 1150, A replaced by G.
Protein change: p.Asn384Asp; replaces asparagine 384 with aspartic acid.
Molecular consequence: missense variant.
Genome position (GRCh38, 1-based): chr5:36,976,057, A>G. VCF-style: chr5-36976057-A-G. GRCh37 (hg19) VCF-style: chr5-36976159-A-G.
Other names: c.1150A>G, p.Asn384Asp (NM_015384.5); short protein forms N384D.
Identifiers: ClinVar variation 159029 (VCV000159029.9), dbSNP rs587783881, ClinGen allele CA172645.

ClinVar aggregate classification (germline): Conflicting classifications of pathogenicity. Review status: criteria provided, conflicting classifications (1 of 4 stars). 2 submissions from 2 submitters: Uncertain significance (1); Benign (1). Last evaluated 2025-07-16.

Conditions:
Cornelia de Lange syndrome 1 (CDLS1). Also called: Brachmann de Lange syndrome; NIPBL-Related Cornelia de Lange Syndrome; TYPUS DEGENERATIVUS AMSTELODAMENSIS. Identifiers: Orphanet 199, MedGen C4551851, MONDO:0007387, OMIM 122470.

Allele frequency attached by ClinVar (database versions not stated): gnomAD exomes below 0.00001; gnomAD 0.00001; TOPMed 0.00002.
gnomAD v4.1: 3 of 1,613,930 alleles (0.00019%); highest among the groups gnomAD compares: Admixed American, 0.0033%; no homozygotes.

Submissions (2):

Labcorp Genetics (formerly Invitae), Labcorp
Classification: Uncertain significance for Cornelia de Lange syndrome 1. Last evaluated: 2025-07-16. Review status: criteria provided, single submitter. Criteria: Invitae Variant Classification Sherloc (09022015). Collection method: clinical testing. Allele origin: germline.
Comment: This sequence change replaces asparagine, which is neutral and polar, with aspartic acid, which is acidic and polar, at codon 384 of the NIPBL protein (p.Asn384Asp). This variant is present in population databases (rs587783881, gnomAD 0.004%). This variant has not been reported in the literature in individuals affected with NIPBL-related conditions. ClinVar contains an entry for this variant (Variation ID: 159029). Invitae Evidence Modeling of protein sequence and biophysical properties (such as structural, functional, and spatial information, amino acid conservation, physicochemical variation, residue mobility, and thermodynamic stability) indicates that this missense variant is not expected to disrupt NIPBL protein function with a negative predictive value of 95%. In summary, the available evidence is currently insufficient to determine the role of this variant in disease. Therefore, it has been classified as a Variant of Uncertain Significance.

Genetic Services Laboratory, University of Chicago
Classification: Benign. Last evaluated: 2013-02-08. Review status: criteria provided, single submitter. Criteria: ACMG Guidelines, 2007. Collection method: clinical testing. Allele origin: germline. Inheritance: Autosomal dominant inheritance.